The following is an entry in ClinVar:

ClinVar aggregate classification (germline): Uncertain significance (1 of 4 stars; one submission).

Allele frequency attached by ClinVar (database versions not stated): gnomAD exomes 0.00002.
gnomAD v4.1: 27 of 1,614,010 alleles (0.0017%); highest among the groups gnomAD compares: Non-Finnish European, 0.0023%; no homozygotes.

Submission:

GeneDx
Classification: Uncertain significance. Last evaluated: 2023-03-01. Review status: criteria provided, single submitter. Criteria: GeneDx Variant Classification Process June 2021. Collection method: clinical testing. Allele origin: germline. Affected: yes.
Comment: Not observed at significant frequency in large population cohorts (gnomAD); In silico analysis supports that this missense variant has a deleterious effect on protein structure/function; Has not been previously published as pathogenic or benign to our knowledge

NM_006440.5(TXNRD2):c.1055C>T (p.Pro352Leu)

Gene: TXNRD2 (thioredoxin reductase 2; minus strand). Cytogenetic location: 22q11.21.
Variant type: single nucleotide variant.
Coding change: c.1055C>T on transcript NM_006440.5 (MANE Select); coding-DNA position 1055, C replaced by T.
Protein change: p.Pro352Leu; replaces proline 352 with leucine.
Molecular consequence: missense variant. On other transcripts: non-coding transcript variant (1).
Genome position (GRCh38, 1-based): chr22:19,883,356, G>A on the plus strand (C>T on the coding strand, the complement: TXNRD2 is on the minus strand). VCF-style: chr22-19883356-G-A. GRCh37 (hg19) VCF-style: chr22-19870879-G-A.
Other names: c.1052C>T, p.Pro351Leu (NM_001352300.2); c.965C>T, p.Pro322Leu (NM_001352301.2); c.767C>T, p.Pro256Leu (NM_001352302.2); short protein forms P256L, P322L, P351L, P352L.
Identifiers: ClinVar variation 2578170 (VCV002578170.1), dbSNP rs2517282708, ClinGen allele CA410682666.